The following is an entry in ClinVar:

NM_001195518.2(MICU1):c.1003A>G (p.Ser335Gly)

Gene: MICU1 (mitochondrial calcium uptake 1; minus strand). Cytogenetic location: 10q22.1.
Variant type: single nucleotide variant.
Coding change: c.1003A>G on transcript NM_001195518.2 (MANE Select); coding-DNA position 1003, A replaced by G.
Protein change: p.Ser335Gly; replaces serine 335 with glycine.
Molecular consequence: missense variant.
Genome position (GRCh38, 1-based): chr10:72,423,302, T>C on the plus strand (A>G on the coding strand, the complement: MICU1 is on the minus strand). VCF-style: chr10-72423302-T-C. GRCh37 (hg19) VCF-style: chr10-74183060-T-C.
Other names: c.409A>G, p.Ser137Gly (NM_001195519.2); c.1021A>G, p.Ser341Gly (NM_001363513.2); c.1009A>G, p.Ser337Gly (NM_006077.4); short protein forms S337G, S137G, S335G, S341G.
Identifiers: ClinVar variation 1901462 (VCV001901462.5), dbSNP rs2495124953, ClinGen allele CA377171869.
Genomic context (GRCh38, chr10:72,423,302, plus strand): 5'-CTTTGAAGTGCTTCTTGAGCTGCCTCTGCATGGCGGTCAGCTTCTTGGACTGCACCCCAC[T>C]GTAGGCAAGTAGCATGCCACCAAACTGCCTCTCAGTAATTCTCCCATCCACAGGGTCATG-3'
Protein context (NP_001182447.1, residues 325-345): RQFGGMLLAY[Ser335Gly]GVQSKKLTAM

ClinVar aggregate classification (germline): Uncertain significance (1 of 4 stars; one submission).

Allele frequency attached by ClinVar (database versions not stated): gnomAD exomes below 0.00001.
gnomAD v4.1: 1 of 1,614,016 alleles (0.000062%); highest among the groups gnomAD compares: Middle Eastern, 0.016%; no homozygotes.

Submission:

Labcorp Genetics (formerly Invitae), Labcorp
Classification: Uncertain significance. Last evaluated: 2024-06-03. Review status: criteria provided, single submitter. Criteria: Invitae Variant Classification Sherloc (09022015). Collection method: clinical testing. Allele origin: germline.
Comment: This sequence change replaces serine, which is neutral and polar, with glycine, which is neutral and non-polar, at codon 337 of the MICU1 protein (p.Ser337Gly). This variant is not present in population databases (gnomAD no frequency). This variant has not been reported in the literature in individuals affected with MICU1-related conditions. ClinVar contains an entry for this variant (Variation ID: 1901462). Advanced modeling of protein sequence and biophysical properties (such as structural, functional, and spatial information, amino acid conservation, physicochemical variation, residue mobility, and thermodynamic stability) performed at Invitae indicates that this missense variant is not expected to disrupt MICU1 protein function with a negative predictive value of 80%. In summary, the available evidence is currently insufficient to determine the role of this variant in disease. Therefore, it has been classified as a Variant of Uncertain Significance.